The following is an entry in ClinVar:

ClinVar aggregate classification (germline): Likely benign. Review status: criteria provided, multiple submitters, no conflicts (2 of 4 stars). 2 submissions from 2 submitters: Likely benign (2). Last evaluated 2025-11-26.

Conditions:
MYH6-related disorder. Also called: MYH6-related condition; MYH6-Related Disorders.
Hypertrophic cardiomyopathy 14. Identifiers: MedGen C2750467, MONDO:0013197, OMIM 613251.

Submissions (2):

PreventionGenetics, part of Exact Sciences
Classification: Likely benign for MYH6-related condition. Last evaluated: 2025-11-26. Review status: criteria provided, single submitter. Criteria: ACMG Guidelines, 2015. Collection method: clinical testing. Allele origin: germline.
Comment: This variant is classified as likely benign based on ACMG/AMP sequence variant interpretation guidelines (Richards et al. 2015 PMID: 25741868, with internal and published modifications).

Labcorp Genetics (formerly Invitae), Labcorp
Classification: Likely benign for Hypertrophic cardiomyopathy 14. Last evaluated: 2025-06-29. Review status: criteria provided, single submitter. Criteria: Invitae Variant Classification Sherloc (09022015). Collection method: clinical testing. Allele origin: germline.

NM_002471.4(MYH6):c.3979-10_3979-8del

Gene: MYH6 (myosin heavy chain 6; minus strand). Cytogenetic location: 14q11.2.
Variant type: Deletion.
Coding change: c.3979-10_3979-8del on transcript NM_002471.4 (MANE Select); 10 bases into the intron before coding-DNA position 3979 through 8 bases into the intron before coding-DNA position 3979, 3 bases deleted (CCC; older notation c.3979-10_3979-8delCCC).
Molecular consequence: intron variant.
Genome position (GRCh38, 1-based): chr14:23,389,063-23,389,065, GGG deleted on the plus strand (CCC on the coding strand, the reverse complement: MYH6 is on the minus strand); deleting any 3 consecutive bases within chr14:23,389,063-23,389,072 gives the same sequence; the c. name uses the placement nearest the transcript's 3' end. VCF-style (leftmost placement, unchanged base first): chr14-23389062-AGGG-A. GRCh37 (hg19) VCF-style: chr14-23858271-AGGG-A.
Other names: c.3979-10_3979-8delCCC (NM_002471.3).
Identifiers: ClinVar variation 239169 (VCV000239169.9), dbSNP rs193922652, ClinGen allele CA7114968.